The following is an entry in ClinVar:

ClinVar aggregate classification (germline): Uncertain significance. Review status: criteria provided, multiple submitters, no conflicts (2 of 4 stars). 3 submissions from 3 submitters: Uncertain significance (3). Last evaluated 2024-08-27.

Conditions:
Hypertrophic cardiomyopathy. Also called: HYPERTROPHIC MYOCARDIOPATHY. Identifiers: Orphanet 217569, MedGen C0007194, MeSH D002312, MONDO:0005045, HP:0001639.
Cardiomyopathy (CMYO). Also called: Cardiomyopathies. Identifiers: Orphanet 167848, MedGen C0878544, MONDO:0004994, HP:0001638. Inheritance: Various modes of inheritance.

gnomAD v4.1: 2 of 1,613,482 alleles (0.00012%); highest among the groups gnomAD compares: Non-Finnish European, 0.00017%; no homozygotes.

Submissions (3):

Labcorp Genetics (formerly Invitae), Labcorp
Classification: Uncertain significance for Hypertrophic cardiomyopathy. Last evaluated: 2024-08-27. Review status: criteria provided, single submitter. Criteria: Invitae Variant Classification Sherloc (09022015). Collection method: clinical testing. Allele origin: germline.
Comment: This sequence change replaces isoleucine, which is neutral and non-polar, with methionine, which is neutral and non-polar, at codon 673 of the MYBPC3 protein (p.Ile673Met). This variant is present in population databases (no rsID available, gnomAD 0.0009%). This variant has not been reported in the literature in individuals affected with MYBPC3-related conditions. ClinVar contains an entry for this variant (Variation ID: 1496048). An algorithm developed to predict the effect of missense changes on protein structure and function (PolyPhen-2) suggests that this variant is likely to be disruptive. In summary, the available evidence is currently insufficient to determine the role of this variant in disease. Therefore, it has been classified as a Variant of Uncertain Significance.

Color Diagnostics, LLC DBA Color Health
Classification: Uncertain significance for Cardiomyopathy. Last evaluated: 2024-03-06. Review status: criteria provided, single submitter. Criteria: ACMG Guidelines, 2015. Collection method: clinical testing. Allele origin: germline.
Comment: This missense variant replaces isoleucine with methionine at codon 673 of the MYBPC3 protein. Computational prediction suggests that this variant may not impact protein structure and function (internally defined REVEL score threshold <= 0.5, PMID: 27666373). To our knowledge, functional studies have not been reported for this variant. This variant has not been reported in individuals affected with cardiovascular disorders in the literature. This variant has been identified in 1/248474 chromosomes in the general population by the Genome Aggregation Database (gnomAD). The available evidence is insufficient to determine the role of this variant in disease conclusively. Therefore, this variant is classified as a Variant of Uncertain Significance.

All of Us Research Program, National Institutes of Health
Classification: Uncertain significance for Hypertrophic cardiomyopathy. Last evaluated: 2023-01-10. Review status: criteria provided, single submitter. Criteria: ACMG Guidelines, 2015. Collection method: clinical testing. Allele origin: germline. Inheritance: Autosomal dominant inheritance. Observed: 1 variant allele, 1 heterozygote.
Comment: This missense variant replaces isoleucine with methionine at codon 673 of the MYBPC3 protein. Computational prediction suggests that this variant may not impact protein structure and function (internally defined REVEL score threshold <= 0.5, PMID: 27666373). To our knowledge, functional studies have not been reported for this variant. This variant has not been reported in individuals affected with cardiovascular disorders in the literature. This variant has been identified in 1/248474 chromosomes in the general population by the Genome Aggregation Database (gnomAD). The available evidence is insufficient to determine the role of this variant in disease conclusively. Therefore, this variant is classified as a Variant of Uncertain Significance.

This study involves interpretation of variants in research participants for the purpose of population health screening. Participant phenotype was not available at the time of variant classification. Additional details can be found in publication PMID: 35346344, PMCID: PMC8962531

NM_000256.3(MYBPC3):c.2019C>G (p.Ile673Met)

Gene: MYBPC3 (myosin binding protein C3; minus strand). Cytogenetic location: 11p11.2.
Variant type: single nucleotide variant.
Coding change: c.2019C>G on transcript NM_000256.3 (MANE Select); coding-DNA position 2019, C replaced by G.
Protein change: p.Ile673Met; replaces isoleucine 673 with methionine.
Molecular consequence: missense variant.
Genome position (GRCh38, 1-based): chr11:47,339,699, G>C on the plus strand (C>G on the coding strand, the complement: MYBPC3 is on the minus strand). VCF-style: chr11-47339699-G-C. GRCh37 (hg19) VCF-style: chr11-47361250-G-C.
Other names: short protein forms I673M.
Identifiers: ClinVar variation 1496048 (VCV001496048.11), dbSNP rs746263346, ClinGen allele CA221691182.